The following is an entry in ClinVar:

ClinVar aggregate classification (germline): Uncertain significance (1 of 4 stars; one submission).

gnomAD v4.1: 30 of 1,614,062 alleles (0.0019%); highest among the groups gnomAD compares: Non-Finnish European, 0.0025%; no homozygotes.

Submission:

Labcorp Genetics (formerly Invitae), Labcorp
Classification: Uncertain significance. Last evaluated: 2025-12-01. Review status: criteria provided, single submitter. Criteria: Invitae Variant Classification Sherloc (09022015). Collection method: clinical testing. Allele origin: germline.
Comment: This sequence change replaces glycine, which is neutral and non-polar, with glutamic acid, which is acidic and polar, at codon 104 of the CHCHD2 protein (p.Gly104Glu). This variant is present in population databases (rs778377000, gnomAD 0.003%). This variant has not been reported in the literature in individuals affected with CHCHD2-related conditions. An algorithm developed to predict the effect of missense changes on protein structure and function (PolyPhen-2) suggests that this variant is likely to be tolerated. In summary, the available evidence is currently insufficient to determine the role of this variant in disease. Therefore, it has been classified as a Variant of Uncertain Significance.

NM_016139.4(CHCHD2):c.311G>A (p.Gly104Glu)

Gene: CHCHD2 (coiled-coil-helix-coiled-coil-helix domain containing 2; minus strand). Cytogenetic location: 7p11.2.
Variant type: single nucleotide variant.
Coding change: c.311G>A on transcript NM_016139.4 (MANE Select); coding-DNA position 311, G replaced by A.
Protein change: p.Gly104Glu; replaces glycine 104 with glutamic acid.
Molecular consequence: missense variant.
Genome position (GRCh38, 1-based): chr7:56,103,001, C>T on the plus strand (G>A on the coding strand, the complement: CHCHD2 is on the minus strand). VCF-style: chr7-56103001-C-T. GRCh37 (hg19) VCF-style: chr7-56170694-C-T.
Other names: c.311G>A, p.Gly104Glu (NM_001320327.2); short protein forms G104E.
Identifiers: ClinVar variation 4698093 (VCV004698093.1).